The following is an entry in ClinVar:

NM_000312.4(PROC):c.400+9G>A

Gene: PROC (protein C, inactivator of coagulation factors Va and VIIIa; plus strand). Cytogenetic location: 2q14.3.
Variant type: single nucleotide variant.
Coding change: c.400+9G>A on transcript NM_000312.4 (MANE Select); 9 bases into the intron after coding-DNA position 400, G replaced by A.
Molecular consequence: intron variant. On other transcripts: missense variant (3), synonymous variant (1).
Genome position (GRCh38, 1-based): chr2:127,423,180, G>A. VCF-style: chr2-127423180-G-A. GRCh37 (hg19) VCF-style: chr2-128180756-G-A.
Other names: c.583+9G>A (NM_001375602.1); c.400+9G>A (NM_001375608.1, NM_001375613.1, NM_001375611.1); c.394+9G>A (NM_001375610.1); c.463+9G>A (NM_001375604.1); c.376+9G>A (NM_001375609.1); c.472G>A, p.Glu158Lys (NM_001375603.1); c.409G>A, p.Glu137Lys (NM_001375605.1); c.564G>A, p.Gly188= (NM_001375606.1); and 1 more; short protein forms E165K, E158K, E137K.
Identifiers: ClinVar variation 2904902 (VCV002904902.3), dbSNP rs1275885497, ClinGen allele CA348399227.

ClinVar aggregate classification (germline): Uncertain significance (1 of 4 stars; one submission).

Conditions:
Thrombophilia due to protein C deficiency, autosomal dominant. Also called: PROC DEFICIENCY, AUTOSOMAL DOMINANT; PROTEIN C DEFICIENCY, AUTOSOMAL DOMINANT. Identifiers: Orphanet 745, MedGen C2674321, MONDO:0008316, OMIM 176860. Disease mechanism: loss of function.

Allele frequency attached by ClinVar (database versions not stated): gnomAD 0.00003.
gnomAD v4.1: 7 of 1,565,296 alleles (0.00045%); highest among the groups gnomAD compares: African/African-American, 0.0082%; no homozygotes.

Submission:

Labcorp Genetics (formerly Invitae), Labcorp
Classification: Uncertain significance for Thrombophilia due to protein C deficiency, autosomal dominant. Last evaluated: 2023-05-12. Review status: criteria provided, single submitter. Criteria: Invitae Variant Classification Sherloc (09022015). Collection method: clinical testing. Allele origin: germline.
Comment: In summary, the available evidence is currently insufficient to determine the role of this variant in disease. Therefore, it has been classified as a Variant of Uncertain Significance. Algorithms developed to predict the effect of sequence changes on RNA splicing suggest that this variant may create or strengthen a splice site. This variant has not been reported in the literature in individuals affected with PROC-related conditions. This variant is present in population databases (no rsID available, gnomAD 0.01%). This sequence change falls in intron 5 of the PROC gene. It does not directly change the encoded amino acid sequence of the PROC protein.